The following is an entry in ClinVar:

ClinVar aggregate classification (germline): Pathogenic (1 of 4 stars; one submission).

Submission:

GeneDx
Classification: Pathogenic. Last evaluated: 2016-12-05. Review status: criteria provided, single submitter. Criteria: GeneDx Variant Classification (06012015). Collection method: clinical testing. Allele origin: germline. Affected: yes.
Comment: The c.1707dupA variant in the WAC gene has not been reported previously as a pathogenic variant nor as a benignvariant, to our knowledge. The c.1707dupA variant causes a frameshift starting with codon Histidine 570, changesthis amino acid to a Threonine residue, and creates a premature Stop codon at position 23 of the new reading frame,denoted p.His570ThrfsX23. This variant is predicted to cause loss of normal protein function either through proteintruncation or nonsense-mediated mRNA decay. The c.1707dupA variant was not observed in approximately 6500individuals of European and African American ancestry in the NHLBI Exome Sequencing Project, indicating it is nota common benign variant in these populations. We interpret c.1707dupA as a pathogenic variant.

NM_016628.5(WAC):c.1707dup (p.His570fs)

Gene: WAC (WW domain containing adaptor with coiled-coil; plus strand). Cytogenetic location: 10p12.1.
Variant type: Duplication.
Coding change: c.1707dup on transcript NM_016628.5 (MANE Select); coding-DNA position 1707, one base duplicated (A; older notation c.1707dupA).
Protein change: p.His570fs; shifts the reading frame from histidine 570.
Molecular consequence: frameshift variant.
Genome position (GRCh38, 1-based): chr10:28,616,323, A duplicated; the last of 4 consecutive A bases (chr10:28,616,320-28,616,323); duplicating any one gives the same sequence. VCF-style (leftmost placement, unchanged base first): chr10-28616319-T-TA. GRCh37 (hg19) VCF-style: chr10-28905248-T-TA.
Other names: c.1572dup, p.His525fs (NM_100264.3); c.1398dup, p.His467fs (NM_100486.4); short protein forms H467fs, H525fs, H570fs.
Identifiers: ClinVar variation 422741 (VCV000422741.2), dbSNP rs1554791965, ClinGen allele CA16618955.
Genomic context (GRCh38, chr10:28,616,319, plus strand): 5'-CTGCCCGATCCACGTGTTCATTAACGCCTGCACTAGCAGCACACTTCAGTGAAAATCTCA[T>TA]AAAACACGTTCAAGGATGGCCTGCAGATCATGCAGAGAAGCAGGTATGTTATGTACAGCC-3'